The following is an entry in ClinVar:

ClinVar aggregate classification (germline): Likely benign (0 of 4 stars; one submission).

Conditions:
RPS26-related disorder. Also called: RPS26-related condition.

Allele frequency attached by ClinVar (database versions not stated): gnomAD 0.00001; gnomAD exomes 0.00001; TOPMed 0.00001; ExAC 0.00004.
gnomAD v4.1: 19 of 1,610,238 alleles (0.0012%); highest among the groups gnomAD compares: East Asian, 0.013%; no homozygotes.

Submission:

PreventionGenetics, part of Exact Sciences
Classification: Likely benign for RPS26-related condition. Last evaluated: 2022-07-05. Review status: no assertion criteria provided. Collection method: clinical testing. Allele origin: germline.
Comment: This variant is classified as likely benign based on ACMG/AMP sequence variant interpretation guidelines (Richards et al. 2015 PMID: 25741868, with internal and published modifications).

NM_001029.5(RPS26):c.4-34C>T

Gene: RPS26 (ribosomal protein S26; plus strand). Cytogenetic location: 12q13.2.
Variant type: single nucleotide variant.
Coding change: c.4-34C>T on transcript NM_001029.5 (MANE Select); 34 bases into the intron before coding-DNA position 4, C replaced by T.
Molecular consequence: intron variant.
Genome position (GRCh38, 1-based): chr12:56,042,391, C>T. VCF-style: chr12-56042391-C-T. GRCh37 (hg19) VCF-style: chr12-56436175-C-T.
Identifiers: ClinVar variation 3032867 (VCV003032867.2), dbSNP rs749966486, ClinGen allele CA6621685.